The following is an entry in ClinVar:

NM_001711.6(BGN):c.616G>A (p.Asp206Asn)

Gene: BGN (biglycan; plus strand). Cytogenetic location: Xq28.
Variant type: single nucleotide variant.
Coding change: c.616G>A on transcript NM_001711.6 (MANE Select); coding-DNA position 616, G replaced by A.
Protein change: p.Asp206Asn; replaces aspartic acid 206 with asparagine.
Molecular consequence: missense variant.
Genome position (GRCh38, 1-based): chrX:153,506,579, G>A. VCF-style: chrX-153506579-G-A. GRCh37 (hg19) VCF-style: chrX-152772037-G-A.
Other names: short protein forms D206N.
Identifiers: ClinVar variation 2292035 (VCV002292035.5), dbSNP rs782083006, ClinGen allele CA10547286.

ClinVar aggregate classification (germline): Uncertain significance. Review status: criteria provided, multiple submitters, no conflicts (2 of 4 stars). 2 submissions from 2 submitters: Uncertain significance (2). Last evaluated 2023-04-17.

Conditions:
Cardiovascular phenotype. Identifiers: MedGen CN230736.

Allele frequency attached by ClinVar (database versions not stated): gnomAD 0.00001; gnomAD exomes 0.00001; TOPMed 0.00001; ExAC 0.00002.

Submissions (2):

Labcorp Genetics (formerly Invitae), Labcorp
Classification: Uncertain significance. Last evaluated: 2023-04-17. Review status: criteria provided, single submitter. Criteria: Invitae Variant Classification Sherloc (09022015). Collection method: clinical testing. Allele origin: germline.
Comment: In summary, the available evidence is currently insufficient to determine the role of this variant in disease. Therefore, it has been classified as a Variant of Uncertain Significance. Advanced modeling of protein sequence and biophysical properties (such as structural, functional, and spatial information, amino acid conservation, physicochemical variation, residue mobility, and thermodynamic stability) performed at Invitae indicates that this missense variant is not expected to disrupt BGN protein function. ClinVar contains an entry for this variant (Variation ID: 2292035). This variant has not been reported in the literature in individuals affected with BGN-related conditions. This variant is present in population databases (rs782083006, gnomAD 0.006%). This sequence change replaces aspartic acid, which is acidic and polar, with asparagine, which is neutral and polar, at codon 206 of the BGN protein (p.Asp206Asn).

Ambry Genetics
Classification: Uncertain significance for Cardiovascular phenotype. Last evaluated: 2022-05-27. Review status: criteria provided, single submitter. Criteria: Ambry Variant Classification Scheme 2023. Collection method: clinical testing. Allele origin: germline.